The following is an entry in ClinVar:

ClinVar aggregate classification (germline): Uncertain significance. Review status: criteria provided, multiple submitters, no conflicts (2 of 4 stars). 2 submissions from 2 submitters: Uncertain significance (2). Last evaluated 2025-04-07.

Allele frequency attached by ClinVar (database versions not stated): 1000 Genomes Project 0.00020; gnomAD exomes below 0.00001; 1000 Genomes Project 30x 0.00016; gnomAD 0.00001.
gnomAD v4.1: 14 of 1,614,164 alleles (0.00087%); highest among the groups gnomAD compares: South Asian, 0.0077%; no homozygotes.

Submissions (2):

Labcorp Genetics (formerly Invitae), Labcorp
Classification: Uncertain significance. Last evaluated: 2025-04-07. Review status: criteria provided, single submitter. Criteria: Invitae Variant Classification Sherloc (09022015). Collection method: clinical testing. Allele origin: germline.
Comment: This sequence change affects codon 76 of the SLC25A4 mRNA. It is a 'silent' change, meaning that it does not change the encoded amino acid sequence of the SLC25A4 protein. This variant is not present in population databases (gnomAD no frequency). This variant has not been reported in the literature in individuals affected with SLC25A4-related conditions. ClinVar contains an entry for this variant (Variation ID: 1303727). Algorithms developed to predict the effect of sequence changes on RNA splicing suggest that this variant may create or strengthen a splice site. In summary, the available evidence is currently insufficient to determine the role of this variant in disease. Therefore, it has been classified as a Variant of Uncertain Significance.

GeneDx
Classification: Uncertain significance. Last evaluated: 2020-10-13. Review status: criteria provided, single submitter. Criteria: GeneDx Variant Classification Process June 2021. Collection method: clinical testing. Allele origin: germline. Affected: yes.
Comment: Not observed in large population cohorts (Lek et al., 2016); In silico analysis supports that this variant does not alter splicing; Has not been previously published as pathogenic or benign to our knowledge

NM_001151.4(SLC25A4):c.228C>T (p.Ala76=)

Gene: SLC25A4 (solute carrier family 25 member 4; plus strand). Cytogenetic location: 4q35.1.
Variant type: single nucleotide variant.
Coding change: c.228C>T on transcript NM_001151.4 (MANE Select); coding-DNA position 228, C replaced by T.
Protein change: p.Ala76=; no amino-acid change (alanine 76 retained).
Molecular consequence: synonymous variant.
Genome position (GRCh38, 1-based): chr4:185,144,880, C>T. VCF-style: chr4-185144880-C-T. GRCh37 (hg19) VCF-style: chr4-186066034-C-T.
Identifiers: ClinVar variation 1303727 (VCV001303727.6), dbSNP rs562465418, ClinGen allele CA112005676.